The following is an entry in ClinVar:

NM_018089.3(ANKZF1):c.1343G>A (p.Arg448Gln)

Gene: ANKZF1 (ankyrin repeat and zinc finger peptidyl tRNA hydrolase 1; plus strand). Cytogenetic location: 2q35.
Variant type: single nucleotide variant.
Coding change: c.1343G>A on transcript NM_018089.3 (MANE Select); coding-DNA position 1343, G replaced by A.
Protein change: p.Arg448Gln; replaces arginine 448 with glutamine.
Molecular consequence: missense variant.
Genome position (GRCh38, 1-based): chr2:219,234,964, G>A. VCF-style: chr2-219234964-G-A. GRCh37 (hg19) VCF-style: chr2-220099686-G-A.
Other names: c.1343G>A, p.Arg448Gln (NM_001042410.2); c.713G>A, p.Arg238Gln (NM_001282792.2); c.1343G>A (NM_018089.2); short protein forms R238Q, R448Q.
Identifiers: ClinVar variation 2202351 (VCV002202351.5), dbSNP rs765554137, ClinGen allele CA2121044.

ClinVar aggregate classification (germline): Conflicting classifications of pathogenicity. Review status: criteria provided, conflicting classifications (1 of 4 stars). 2 submissions from 2 submitters: Uncertain significance (1); Likely benign (1). Last evaluated 2025-07-15.

Allele frequency attached by ClinVar (database versions not stated): TOPMed 0.00008; ExAC 0.00001; gnomAD exomes 0.00006; gnomAD 0.00008.
gnomAD v4.1: 97 of 1,614,124 alleles (0.006%); highest among the groups gnomAD compares: African/African-American, 0.019%; no homozygotes.

Submissions (2):

Ambry Genetics
Classification: Likely benign. Last evaluated: 2025-07-15. Review status: criteria provided, single submitter. Criteria: Ambry Variant Classification Scheme 2023. Collection method: clinical testing. Allele origin: germline.

Labcorp Genetics (formerly Invitae), Labcorp
Classification: Uncertain significance. Last evaluated: 2024-08-21. Review status: criteria provided, single submitter. Criteria: Invitae Variant Classification Sherloc (09022015). Collection method: clinical testing. Allele origin: germline.
Comment: This sequence change replaces arginine, which is basic and polar, with glutamine, which is neutral and polar, at codon 448 of the ANKZF1 protein (p.Arg448Gln). This variant is present in population databases (rs765554137, gnomAD 0.02%). This variant has not been reported in the literature in individuals affected with ANKZF1-related conditions. ClinVar contains an entry for this variant (Variation ID: 2202351). An algorithm developed to predict the effect of missense changes on protein structure and function outputs the following: PolyPhen-2: "Benign". The glutamine amino acid residue is found in multiple mammalian species, which suggests that this missense change does not adversely affect protein function. In summary, the available evidence is currently insufficient to determine the role of this variant in disease. Therefore, it has been classified as a Variant of Uncertain Significance.